The following is an entry in ClinVar:

ClinVar aggregate classification (germline): Likely pathogenic. Review status: criteria provided, multiple submitters, no conflicts (2 of 4 stars). 2 submissions from 2 submitters: Likely pathogenic (2). Last evaluated 2024-05-10.

Conditions:
Cernunnos-XLF deficiency (IMD124). Also called: NHEJ1 SYNDROME; SCID, AUTOSOMAL RECESSIVE, T CELL-NEGATIVE, B CELL-NEGATIVE, NK CELL-POSITIVE, WITH MICROCEPHALY, GROWTH RETARDATION, AND SENSITIVITY TO IONIZING RADIATION; Severe combined immunodeficiency with sensitivity to ionizing radiation due to NHEJ1 deficiency; SCID, autosomal recessive, T cell-negative, B cell-negative, NK cell-positive, and sensitivity to ionizing radiation due to NHEJ1 deficiency; IMMUNODEFICIENCY 124, SEVERE COMBINED. Identifiers: Orphanet 169079, MedGen C1969799, MONDO:0012650, OMIM 611291.
Microphthalmia/coloboma 13. Identifiers: MedGen C5975436, MONDO:0975809, OMIM 620968.

gnomAD v4.1: 7 of 1,614,148 alleles (0.00043%); highest among the groups gnomAD compares: Non-Finnish European, 0.00059%; no homozygotes.

Submissions (2):

Fulgent Genetics
Classification: Likely pathogenic for Cernunnos-XLF deficiency. Last evaluated: 2024-05-10. Review status: criteria provided, single submitter. Criteria: ACMG Guidelines, 2015. Collection method: clinical testing. Allele origin: germline.

Juno Genomics, Hangzhou Juno Genomics, Inc
Classification: Likely pathogenic for Microphthalmia/coloboma 13; Cernunnos-XLF deficiency. Review status: criteria provided, single submitter. Criteria: ACMG Guidelines, 2015. Collection method: clinical testing. Allele origin: germline.
Comment: Null variant in a gene where loss of function (LOF) is a known mechanism of disease.;Absent from controls (or at extremely low frequency if recessive) in Genome Aggregation Database.

NM_024782.3(NHEJ1):c.16C>T (p.Gln6Ter)

Gene: NHEJ1 (non-homologous end joining factor 1; minus strand). Cytogenetic location: 2q35.
Variant type: single nucleotide variant.
Coding change: c.16C>T on transcript NM_024782.3 (MANE Select); coding-DNA position 16, C replaced by T.
Protein change: p.Gln6Ter; replaces glutamine 6 with a stop codon.
Molecular consequence: nonsense. On other transcripts: non-coding transcript variant (1).
Genome position (GRCh38, 1-based): chr2:219,158,347, G>A on the plus strand (C>T on the coding strand, the complement: NHEJ1 is on the minus strand). VCF-style: chr2-219158347-G-A. GRCh37 (hg19) VCF-style: chr2-220023069-G-A.
Other names: c.16C>T, p.Gln6Ter (NM_001377498.1, NM_001377499.1); short protein forms Q6*.
Identifiers: ClinVar variation 3585676 (VCV003585676.3).